The following is an entry in ClinVar:

NM_005982.4(SIX1):c.340A>G (p.Lys114Glu)

Gene: SIX1 (SIX homeobox 1; minus strand). Cytogenetic location: 14q23.1.
Variant type: single nucleotide variant.
Coding change: c.340A>G on transcript NM_005982.4 (MANE Select); coding-DNA position 340, A replaced by G.
Protein change: p.Lys114Glu; replaces lysine 114 with glutamic acid.
Molecular consequence: missense variant.
Genome position (GRCh38, 1-based): chr14:60,648,850, T>C on the plus strand (A>G on the coding strand, the complement: SIX1 is on the minus strand). VCF-style: chr14-60648850-T-C. GRCh37 (hg19) VCF-style: chr14-61115568-T-C.
Other names: c.340A>G, p.Lys114Glu (NM_001425142.1); short protein forms K114E.
Identifiers: ClinVar variation 2953157 (VCV002953157.3), dbSNP rs2502644085, ClinGen allele CA389910525.
Genomic context (GRCh38, chr14:60,648,850, plus strand): 5'-TCTCCTTGAAGCAGTAGCTGGTCTCCTCGCCGTCCCAGATGGTGCGCGGCAGTGGAAATT[T>C]TCGGCGCACCCGATATTTGCCCACGGCGCCCAGGGGTCGGCCGCGCAGCTTCTCGGCCTC-3'
Protein context (NP_005973.1, residues 104-124): GAVGKYRVRR[Lys114Glu]FPLPRTIWDG

ClinVar aggregate classification (germline): Pathogenic (1 of 4 stars; one submission).

Conditions:
Branchiootic syndrome 3 (BOS3). Also called: BO SYNDROME 3. Identifiers: MedGen C1842124, MONDO:0012025, OMIM 608389.
Autosomal dominant nonsyndromic hearing loss 23. Identifiers: Orphanet 90635, MedGen C1854594, MONDO:0011519, OMIM 605192.

Submission:

Labcorp Genetics (formerly Invitae), Labcorp
Classification: Pathogenic for Autosomal dominant nonsyndromic hearing loss 23; Branchiootic syndrome 3. Last evaluated: 2025-07-10. Review status: criteria provided, single submitter. Criteria: Invitae Variant Classification Sherloc (09022015). Collection method: clinical testing. Allele origin: germline.
Comment: This sequence change replaces lysine, which is basic and polar, with glutamic acid, which is acidic and polar, at codon 114 of the SIX1 protein (p.Lys114Glu). This variant is not present in population databases (gnomAD no frequency). This missense change has been observed in individual(s) with clinical features of branchiootorenal spectrum disorders (internal data). In at least one individual the variant was observed to be de novo. ClinVar contains an entry for this variant (Variation ID: 2953157). Invitae Evidence Modeling of protein sequence and biophysical properties (such as structural, functional, and spatial information, amino acid conservation, physicochemical variation, residue mobility, and thermodynamic stability) indicates that this missense variant is expected to disrupt SIX1 protein function with a positive predictive value of 80%. For these reasons, this variant has been classified as Pathogenic.